The following is an entry in ClinVar:

NM_005559.4(LAMA1):c.6517C>T (p.Arg2173Ter)

Gene: LAMA1 (laminin subunit alpha 1; minus strand). Cytogenetic location: 18p11.31.
Variant type: single nucleotide variant.
Coding change: c.6517C>T on transcript NM_005559.4 (MANE Select); coding-DNA position 6517, C replaced by T.
Protein change: p.Arg2173Ter; replaces arginine 2173 with a stop codon.
Molecular consequence: nonsense.
Genome position (GRCh38, 1-based): chr18:6,975,009, G>A on the plus strand (C>T on the coding strand, the complement: LAMA1 is on the minus strand). VCF-style: chr18-6975009-G-A. GRCh37 (hg19) VCF-style: chr18-6975008-G-A.
Other names: c.6517C>T (NM_005559.3); short protein forms R2173*.
Identifiers: ClinVar variation 1351928 (VCV001351928.7), dbSNP rs781634167, ClinGen allele CA8881197.

ClinVar aggregate classification (germline): Pathogenic/Likely pathogenic. Review status: criteria provided, multiple submitters, no conflicts (2 of 4 stars). 2 submissions from 2 submitters: Pathogenic (1); Likely pathogenic (1). Last evaluated 2025-05-28.

Conditions:
LAMA1-related disorder. Also called: LAMA1-related disorders; LAMA1-related condition.

Allele frequency attached by ClinVar (database versions not stated): gnomAD exomes below 0.00001; TOPMed below 0.00001; ExAC 0.00001.
gnomAD v4.1: 4 of 1,613,920 alleles (0.00025%); highest among the groups gnomAD compares: Non-Finnish European, 0.00025%; no homozygotes.

Submissions (2):

PreventionGenetics, part of Exact Sciences
Classification: Likely pathogenic for LAMA1-related condition. Last evaluated: 2025-05-28. Review status: criteria provided, single submitter. Criteria: ACMG Guidelines, 2015. Collection method: clinical testing. Allele origin: germline.
Comment: The LAMA1 c.6517C>T variant is predicted to result in premature protein termination (p.Arg2173*). To our knowledge, this variant has not been reported in the literature. This variant is reported in 0.00088% of alleles in individuals of European (Non-Finnish) descent in gnomAD. Nonsense variants in LAMA1 are expected to be pathogenic. This variant is interpreted as likely pathogenic.

Labcorp Genetics (formerly Invitae), Labcorp
Classification: Pathogenic. Last evaluated: 2025-02-17. Review status: criteria provided, single submitter. Criteria: Invitae Variant Classification Sherloc (09022015). Collection method: clinical testing. Allele origin: germline.
Comment: This sequence change creates a premature translational stop signal (p.Arg2173*) in the LAMA1 gene. It is expected to result in an absent or disrupted protein product. Loss-of-function variants in LAMA1 are known to be pathogenic (PMID: 25105227, 26932191). This variant is present in population databases (rs781634167, gnomAD 0.0009%). This variant has not been reported in the literature in individuals affected with LAMA1-related conditions. ClinVar contains an entry for this variant (Variation ID: 1351928). Algorithms developed to predict the effect of sequence changes on RNA splicing suggest that this variant may disrupt the consensus splice site. For these reasons, this variant has been classified as Pathogenic.

Literature cited by the submitters: PubMed 25105227 (cited by Labcorp Genetics (formerly Invitae), Labcorp); PubMed 26932191 (cited by Labcorp Genetics (formerly Invitae), Labcorp).